The following is an entry in ClinVar:

ClinVar aggregate classification (germline): Uncertain significance (1 of 4 stars; one submission).

Conditions:
Inborn genetic diseases. Identifiers: MedGen C0950123, MeSH D030342.

Submission:

Ambry Genetics
Classification: Uncertain significance for Inborn genetic diseases. Last evaluated: 2025-11-24. Review status: criteria provided, single submitter. Criteria: Ambry Variant Classification Scheme 2023. Collection method: clinical testing. Allele origin: germline.
Comment: The p.R159G variant (also known as c.475C>G), located in coding exon 6 of the DDX41 gene, results from a C to G substitution at nucleotide position 475. The arginine at codon 159 is replaced by glycine, an amino acid with dissimilar properties. This amino acid position is conserved. In addition, the in silico prediction for this alteration is inconclusive. Based on the available evidence, the clinical significance of this variant remains unclear.

NM_016222.4(DDX41):c.475C>G (p.Arg159Gly)

Gene: DDX41 (DEAD-box helicase 41; minus strand). Cytogenetic location: 5q35.3.
Variant type: single nucleotide variant.
Coding change: c.475C>G on transcript NM_016222.4 (MANE Select); coding-DNA position 475, C replaced by G.
Protein change: p.Arg159Gly; replaces arginine 159 with glycine.
Molecular consequence: missense variant.
Genome position (GRCh38, 1-based): chr5:177,515,781, G>C on the plus strand (C>G on the coding strand, the complement: DDX41 is on the minus strand). VCF-style: chr5-177515781-G-C. GRCh37 (hg19) VCF-style: chr5-176942782-G-C.
Other names: c.97C>G, p.Arg33Gly (NM_001321732.2, NM_001321830.2); short protein forms R159G, R33G.
Identifiers: ClinVar variation 4617208 (VCV004617208.1).